The following is an entry in ClinVar:

NM_206933.4(USH2A):c.6831T>A (p.Tyr2277Ter)

Gene: USH2A (usherin; minus strand). Cytogenetic location: 1q41.
Variant type: single nucleotide variant.
Coding change: c.6831T>A on transcript NM_206933.4 (MANE Select); coding-DNA position 6831, T replaced by A.
Protein change: p.Tyr2277Ter; replaces tyrosine 2277 with a stop codon.
Molecular consequence: nonsense.
Genome position (GRCh38, 1-based): chr1:215,970,751, A>T on the plus strand (T>A on the coding strand, the complement: USH2A is on the minus strand). VCF-style: chr1-215970751-A-T. GRCh37 (hg19) VCF-style: chr1-216144093-A-T.
Other names: c.6831T>A (NM_206933.2); short protein forms Y2277*.
Identifiers: ClinVar variation 1726938 (VCV001726938.3), dbSNP rs1226437991, ClinGen allele CA344854635.

ClinVar aggregate classification (germline): Likely pathogenic. Review status: criteria provided, multiple submitters, no conflicts (2 of 4 stars). 2 submissions from 2 submitters: Likely pathogenic (2). Last evaluated 2024-06-21.

Conditions:
Usher syndrome type 2A. Also called: RETINAL DISEASE IN USHER SYNDROME TYPE IIA, MODIFIER OF; USHER SYNDROME, TYPE IIA. Identifiers: Orphanet 231178, Orphanet 886, MedGen C1848634, MONDO:0010169, OMIM 276901.

Submissions (2):

Natera, Inc.
Classification: Likely pathogenic for Usher syndrome type 2A. Last evaluated: 2024-06-21. Review status: criteria provided, single submitter. Criteria: Natera Variant Classification Schema (03/2026). Collection method: clinical testing. Allele origin: germline.
Comment: The c.6831T>A variant in USH2A is a nonsense variant predicted to introduce a stop codon at amino acid 2277. This variant is expected to result in nonsense mediated decay, truncation, or a dysfunctional protein product. This variant is rare in the general population with a frequency below the threshold expected for the associated phenotype(s). Given the available evidence, this variant is classified as Likely Pathogenic.

Myriad Genetics, Inc.
Classification: Likely pathogenic for Usher syndrome type 2A. Last evaluated: 2022-01-02. Review status: criteria provided, single submitter. Criteria: Myriad Women's Health Autosomal Recessive and X-Linked Classification Criteria (2021). Collection method: clinical testing. Allele origin: unknown.
Comment: NM_206933.2(USH2A):c.6831T>A(Y2277*) is expected to be pathogenic in the context of USH2A-related disorders. This variant is predicted to lead to an abnormal or absent protein product due to the creation of a premature termination codon in USH2A, a gene where loss-of-function variants are known to be pathogenic. Please note: this variant was assessed in the context of healthy population screening.